The following is an entry in ClinVar:

NM_007294.4(BRCA1):c.89T>G (p.Leu30Trp)

Gene: BRCA1 (BRCA1 DNA repair associated; minus strand). Cytogenetic location: 17q21.31.
Variant type: single nucleotide variant.
Coding change: c.89T>G on transcript NM_007294.4 (MANE Select); coding-DNA position 89, T replaced by G.
Protein change: p.Leu30Trp; replaces leucine 30 with tryptophan.
Molecular consequence: missense variant. On other transcripts: non-coding transcript variant (1), intron variant (1).
Genome position (GRCh38, 1-based): chr17:43,115,771, A>C on the plus strand (T>G on the coding strand, the complement: BRCA1 is on the minus strand). VCF-style: chr17-43115771-A-C. GRCh37 (hg19) VCF-style: chr17-41267788-A-C.
Other names: c.89T>G, p.Leu30Trp (NM_001407681.1, NM_001407682.1, NM_001407683.1 and 192 more transcripts); c.-169T>G (NM_001407694.1, NM_001407696.1, NM_001407724.1 and 13 more transcripts); c.-173T>G (NM_001407695.1, NM_001408465.1); c.-53T>G (NM_001407697.1, NM_001407725.1, NM_001407728.1 and 47 more transcripts); c.-49T>G (NM_001407841.1); c.-100T>G (NM_001407853.1, NM_001407879.1, NM_001407882.1 and 52 more transcripts); c.-216T>G (NM_001407889.1, NM_001407900.1, NM_001408492.1); c.-215T>G (NM_001407960.1, NM_001407962.1, NM_001408510.1 and 1 more transcripts); and 2 more; short protein forms L30W.
Identifiers: ClinVar variation 865103 (VCV000865103.5), dbSNP rs397509331, ClinGen allele CA10601976.

ClinVar aggregate classification (germline): Uncertain significance (1 of 4 stars; one submission).

Conditions:
Hereditary breast ovarian cancer syndrome. Also called: Hereditary breast and/or ovarian cancer syndrome; BRCA1- and BRCA2-Associated Hereditary Breast and Ovarian Cancer; Hereditary breast and ovarian cancer syndrome; Hereditary breast and ovarian cancer; Hereditary breast and ovarian cancer syndrome (HBOC); Breast and ovarian cancer. Identifiers: Orphanet 145, MedGen C0677776, MeSH D061325, MONDO:0003582. Disease mechanism: loss of function.

Submissions (2):

Labcorp Genetics (formerly Invitae), Labcorp
Classification: Uncertain significance for Hereditary breast ovarian cancer syndrome. Last evaluated: 2024-10-15. Review status: criteria provided, single submitter. Criteria: Invitae Variant Classification Sherloc (09022015). Collection method: clinical testing. Allele origin: germline.
Comment: This sequence change replaces leucine, which is neutral and non-polar, with tryptophan, which is neutral and slightly polar, at codon 30 of the BRCA1 protein (p.Leu30Trp). This variant is not present in population databases (gnomAD no frequency). This variant has not been reported in the literature in individuals affected with BRCA1-related conditions. ClinVar contains an entry for this variant (Variation ID: 865103). Invitae Evidence Modeling incorporating data from in vitro experimental studies (PMID: 30209399) indicates that this missense variant is not expected to disrupt BRCA1 function with a negative predictive value of 95%. In summary, the available evidence is currently insufficient to determine the role of this variant in disease. Therefore, it has been classified as a Variant of Uncertain Significance.

Brotman Baty Institute, University of Washington
No classification provided (evidence only). Condition: Breast-ovarian cancer, familial 1. Review status: no classification provided. Collection method: in vitro. Allele origin: not applicable. Functional consequence: functionally_normal. Not counted in ClinVar's aggregate classification.
ClinVar note: "not provided" was previously submitted as the classification for the variant. However, the classification appeared to be based only on an observation of functional data so it was converted to no classification on 2025-07-30.

Literature cited by the submitters: PubMed 30209399 (cited by Labcorp Genetics (formerly Invitae), Labcorp).